The following is an entry in ClinVar:

ClinVar aggregate classification (germline): Uncertain significance (1 of 4 stars; one submission).

Conditions:
Emery-Dreifuss muscular dystrophy 4, autosomal dominant (EDMD4). Also called: EMERY-DREIFUSS MUSCULAR DYSTROPHY 4 WITH VARIABLE FEATURES. Identifiers: Orphanet 261, MedGen C2751807, MONDO:0013071, OMIM 612998.
Autosomal recessive ataxia, Beauce type. Also called: SYNE1-Related Autosomal Recessive Cerebellar Ataxia; Spinocerebellar ataxia, autosomal recessive 8; ATAXIA, RECESSIVE, OF BEAUCE; SYNE1 Deficiency. Identifiers: Orphanet 88644, MedGen C1853116, MONDO:0012549, OMIM 610743.

Allele frequency attached by ClinVar (database versions not stated): gnomAD exomes below 0.00001 and 0.00001; ExAC 0.00001; TOPMed 0.00001.
gnomAD v4.1: 16 of 1,614,224 alleles (0.00099%); highest among the groups gnomAD compares: Non-Finnish European, 0.0014%; no homozygotes.

Submission:

Labcorp Genetics (formerly Invitae), Labcorp
Classification: Uncertain significance for Emery-Dreifuss muscular dystrophy 4, autosomal dominant; Autosomal recessive ataxia, Beauce type. Last evaluated: 2023-10-13. Review status: criteria provided, single submitter. Criteria: Invitae Variant Classification Sherloc (09022015). Collection method: clinical testing. Allele origin: germline.
Comment: This sequence change replaces alanine, which is neutral and non-polar, with threonine, which is neutral and polar, at codon 1007 of the SYNE1 protein (p.Ala1007Thr). This variant is present in population databases (rs771446969, gnomAD 0.0009%). This variant has not been reported in the literature in individuals affected with SYNE1-related conditions. ClinVar contains an entry for this variant (Variation ID: 1380413). An algorithm developed to predict the effect of missense changes on protein structure and function (PolyPhen-2) suggests that this variant is likely to be tolerated. In summary, the available evidence is currently insufficient to determine the role of this variant in disease. Therefore, it has been classified as a Variant of Uncertain Significance.

NM_182961.4(SYNE1):c.2998G>A (p.Ala1000Thr)

Gene: SYNE1 (spectrin repeat containing nuclear envelope protein 1; minus strand). Cytogenetic location: 6q25.2.
Variant type: single nucleotide variant.
Coding change: c.2998G>A on transcript NM_182961.4 (MANE Select); coding-DNA position 2998, G replaced by A.
Protein change: p.Ala1000Thr; replaces alanine 1000 with threonine.
Molecular consequence: missense variant.
Genome position (GRCh38, 1-based): chr6:152,453,615, C>T on the plus strand (G>A on the coding strand, the complement: SYNE1 is on the minus strand). VCF-style: chr6-152453615-C-T. GRCh37 (hg19) VCF-style: chr6-152774750-C-T.
Other names: c.3019G>A, p.Ala1007Thr (NM_033071.5); short protein forms A1000T, A1007T.
Identifiers: ClinVar variation 1380413 (VCV001380413.6), dbSNP rs771446969, ClinGen allele CA4058975.